The following is an entry in ClinVar:

NM_000368.5(TSC1):c.1233C>T (p.Leu411=)

Gene: TSC1 (TSC complex subunit 1; minus strand). Cytogenetic location: 9q34.13.
Variant type: single nucleotide variant.
Coding change: c.1233C>T on transcript NM_000368.5 (MANE Select); coding-DNA position 1233, C replaced by T.
Protein change: p.Leu411=; no amino-acid change (leucine 411 retained).
Molecular consequence: synonymous variant.
Genome position (GRCh38, 1-based): chr9:132,910,601, G>A on the plus strand (C>T on the coding strand, the complement: TSC1 is on the minus strand). VCF-style: chr9-132910601-G-A. GRCh37 (hg19) VCF-style: chr9-135785988-G-A.
Other names: c.1230C>T, p.Leu410= (NM_001162426.2); c.1080C>T, p.Leu360= (NM_001162427.2); c.870C>T, p.Leu290= (NM_001362177.2).
Identifiers: ClinVar variation 701019 (VCV000701019.15), dbSNP rs1588321365, ClinGen allele CA467593192.

ClinVar aggregate classification (germline): Benign/Likely benign. Review status: criteria provided, multiple submitters, no conflicts (2 of 4 stars). 4 submissions from 4 submitters: Benign (1); Likely benign (3). Last evaluated 2025-12-19.

Conditions:
Tuberous sclerosis syndrome (TSC). Also called: Tuberous Sclerosis Complex; Tuberous sclerosis. Identifiers: Orphanet 805, MedGen C0041341, MONDO:0001734.
Hereditary cancer-predisposing syndrome. Also called: Tumor predisposition; Hereditary neoplastic syndrome; Hereditary Cancer Syndrome; Neoplastic Syndromes, Hereditary. Identifiers: Orphanet 140162, MedGen C0027672, MeSH D009386, MONDO:0015356.
Tuberous sclerosis 1 (TSC1). Identifiers: Orphanet 805, MedGen C1854465, MONDO:0008612, OMIM 191100.

Allele frequency attached by ClinVar (database versions not stated): gnomAD exomes below 0.00001; TOPMed below 0.00001; gnomAD 0.00001.
gnomAD v4.1: 3 of 1,614,024 alleles (0.00019%); highest among the groups gnomAD compares: Admixed American, 0.0033%; no homozygotes.

Submissions (4):

Labcorp Genetics (formerly Invitae), Labcorp
Classification: Likely benign for Tuberous sclerosis 1. Last evaluated: 2025-12-19. Review status: criteria provided, single submitter. Criteria: Invitae Variant Classification Sherloc (09022015). Collection method: clinical testing. Allele origin: germline.

Myriad Genetics, Inc.
Classification: Benign for Tuberous sclerosis 1. Last evaluated: 2025-04-09. Review status: criteria provided, single submitter. Criteria: Myriad Autosomal Dominant, Autosomal Recessive and X-Linked Classification Criteria (2023). Collection method: clinical testing. Allele origin: unknown.
Comment: This variant is considered benign. This variant is a silent/synonymous amino acid change and it is not expected to impact splicing.

All of Us Research Program, National Institutes of Health
Classification: Likely benign for Tuberous sclerosis syndrome. Last evaluated: 2024-07-20. Review status: criteria provided, single submitter. Criteria: ACMG Guidelines, 2015. Collection method: clinical testing. Allele origin: germline. Inheritance: Autosomal dominant inheritance. Observed: 1 variant allele, 1 heterozygote.
Comment: This study involves interpretation of variants in research participants for the purpose of population health screening. Participant phenotype was not available at the time of variant classification. Additional details can be found in publication PMID: 35346344, PMCID: PMC8962531

Ambry Genetics
Classification: Likely benign for Hereditary cancer-predisposing syndrome. Last evaluated: 2021-12-07. Review status: criteria provided, single submitter. Criteria: Ambry Variant Classification Scheme 2023. Collection method: clinical testing. Allele origin: germline.